The following is an entry in ClinVar:

NM_005228.5(EGFR):c.2918G>A (p.Arg973Gln)

Gene: EGFR (epidermal growth factor receptor; plus strand). Cytogenetic location: 7p11.2.
Variant type: single nucleotide variant.
Coding change: c.2918G>A on transcript NM_005228.5 (MANE Select); coding-DNA position 2918, G replaced by A.
Protein change: p.Arg973Gln; replaces arginine 973 with glutamine.
Molecular consequence: missense variant.
Genome position (GRCh38, 1-based): chr7:55,200,385, G>A. VCF-style: chr7-55200385-G-A. GRCh37 (hg19) VCF-style: chr7-55268078-G-A.
Other names: c.2783G>A, p.Arg928Gln (NM_001346897.2, NM_001346899.2); c.2918G>A, p.Arg973Gln (NM_001346898.2); c.2759G>A, p.Arg920Gln (NM_001346900.2); c.2117G>A, p.Arg706Gln (NM_001346941.2); c.2918G>A (NM_005228.3); short protein forms R706Q, R920Q, R928Q, R973Q.
Identifiers: ClinVar variation 1013771 (VCV001013771.7), dbSNP rs756554871, ClinGen allele CA4266206.
Genomic context (GRCh38, chr7:55,200,385, plus strand): 5'-TAGACGCAGATAGTCGCCCAAAGTTCCGTGAGTTGATCATCGAATTCTCCAAAATGGCCC[G>A]AGACCCCCAGCGCTACCTTGTCATTCAGGTACAAATTGCAGTCTGTGCTTCCATTGGGAA-3'
Protein context (NP_005219.2, residues 963-983): ELIIEFSKMA[Arg973Gln]DPQRYLVIQG

ClinVar aggregate classification (germline): Uncertain significance. Review status: criteria provided, multiple submitters, no conflicts (2 of 4 stars). 2 submissions from 2 submitters: Uncertain significance (2). Last evaluated 2026-01-17.

Conditions:
Hereditary cancer-predisposing syndrome. Also called: Hereditary Cancer Syndrome; Tumor predisposition; Neoplastic Syndromes, Hereditary; Hereditary neoplastic syndrome. Identifiers: Orphanet 140162, MedGen C0027672, MeSH D009386, MONDO:0015356.
EGFR-related lung cancer (EGFR). Identifiers: MedGen CN130014.

Allele frequency attached by ClinVar (database versions not stated): gnomAD exomes below 0.00001 and 0.00001; ExAC 0.00001; gnomAD 0.00001 and 0.00002; TOPMed 0.00002.
gnomAD v4.1: 9 of 1,613,934 alleles (0.00056%); highest among the groups gnomAD compares: Admixed American, 0.0017%; no homozygotes.

Submissions (2):

Labcorp Genetics (formerly Invitae), Labcorp
Classification: Uncertain significance for EGFR-related lung cancer. Last evaluated: 2026-01-17. Review status: criteria provided, single submitter. Criteria: Invitae Variant Classification Sherloc (09022015). Collection method: clinical testing. Allele origin: germline.
Comment: This sequence change replaces arginine, which is basic and polar, with glutamine, which is neutral and polar, at codon 973 of the EGFR protein (p.Arg973Gln). This variant is present in population databases (rs756554871, gnomAD 0.003%). This variant has not been reported in the literature in individuals affected with EGFR-related conditions. ClinVar contains an entry for this variant (Variation ID: 1013771). Invitae Evidence Modeling of protein sequence and biophysical properties (such as structural, functional, and spatial information, amino acid conservation, physicochemical variation, residue mobility, and thermodynamic stability) has been performed for this missense variant. However, the output from this modeling did not meet the statistical confidence thresholds required to predict the impact of this variant on EGFR protein function. In summary, the available evidence is currently insufficient to determine the role of this variant in disease. Therefore, it has been classified as a Variant of Uncertain Significance.

Ambry Genetics
Classification: Uncertain significance for Hereditary cancer-predisposing syndrome. Last evaluated: 2024-12-23. Review status: criteria provided, single submitter. Criteria: Ambry Variant Classification Scheme 2023. Collection method: clinical testing. Allele origin: germline.
Comment: The p.R973Q variant (also known as c.2918G>A), located in coding exon 24 of the EGFR gene, results from a G to A substitution at nucleotide position 2918. The arginine at codon 973 is replaced by glutamine, an amino acid with highly similar properties. This amino acid position is highly conserved in available vertebrate species. In addition, the in silico prediction for this alteration is inconclusive. Based on the available evidence, the clinical significance of this variant remains unclear.